The following is an entry in ClinVar:

NM_032588.4(TRIM63):c.206C>T (p.Ser69Phe)

Gene: TRIM63 (tripartite motif containing 63; minus strand). Cytogenetic location: 1p36.11.
Variant type: single nucleotide variant.
Coding change: c.206C>T on transcript NM_032588.4 (MANE Select); coding-DNA position 206, C replaced by T.
Protein change: p.Ser69Phe; replaces serine 69 with phenylalanine.
Molecular consequence: missense variant.
Genome position (GRCh38, 1-based): chr1:26,066,394, G>A on the plus strand (C>T on the coding strand, the complement: TRIM63 is on the minus strand). VCF-style: chr1-26066394-G-A. GRCh37 (hg19) VCF-style: chr1-26392885-G-A.
Other names: short protein forms S69F.
Identifiers: ClinVar variation 373560 (VCV000373560.1), dbSNP rs1057518483, ClinGen allele CA16042328.

ClinVar aggregate classification (germline): Uncertain significance (1 of 4 stars; one submission).

Allele frequency attached by ClinVar (database versions not stated): gnomAD 0.00001; TOPMed 0.00001; gnomAD exomes below 0.00001.
gnomAD v4.1: 4 of 1,611,928 alleles (0.00025%); highest among the groups gnomAD compares: Non-Finnish European, 0.00034%; no homozygotes.

Submission:

GeneDx
Classification: Uncertain significance. Last evaluated: 2016-12-05. Review status: criteria provided, single submitter. Criteria: GeneDx Variant Classification (06012015). Collection method: clinical testing. Allele origin: germline. Affected: yes.
Comment: The S69F variant in the TRIM63 gene has not been reported previously as a pathogenic variant, nor as a benign variant, to our knowledge. The S69F variant was not observed in approximately 6,500 individuals of European and African American ancestry in the NHLBI Exome Sequencing Project, indicating it is not a common benign variant in these populations. The S69F variant is a non-conservative amino acid substitution, which is likely to impact secondary protein structure as these residues differ in polarity, charge, size and/or other properties. This substitution occurs at a position that is conserved across species. In silico analysis predicts this variant is probably damaging to the protein structure/function. We interpret S69F as a variant of uncertain significance.